The following is an entry in ClinVar:

ClinVar aggregate classification (germline): Uncertain significance. Review status: criteria provided, single submitter (1 of 4 stars). 2 submissions from 2 submitters: Uncertain significance (1). 1 of the submissions does not count toward it. Last evaluated 2022-09-12.

Conditions:
Usher syndrome type 1 (USH1). Also called: RETINITIS PIGMENTOSA AND CONGENITAL DEAFNESS. Identifiers: Orphanet 231169, Orphanet 886, MedGen C1568247, MONDO:0010168, OMIM 276900.

Allele frequency attached by ClinVar (database versions not stated): TOPMed below 0.00001; gnomAD 0.00001.
gnomAD v4.1: 3 of 1,613,860 alleles (0.00019%); highest among the groups gnomAD compares: Non-Finnish European, 0.00025%; no homozygotes.

Submissions (2):

Labcorp Genetics (formerly Invitae), Labcorp
Classification: Uncertain significance. Last evaluated: 2022-09-12. Review status: criteria provided, single submitter. Criteria: Invitae Variant Classification Sherloc (09022015). Collection method: clinical testing. Allele origin: germline.
Comment: This sequence change replaces arginine, which is basic and polar, with cysteine, which is neutral and slightly polar, at codon 2815 of the CDH23 protein (p.Arg2815Cys). This variant is not present in population databases (gnomAD no frequency). This variant has not been reported in the literature in individuals affected with CDH23-related conditions. ClinVar contains an entry for this variant (Variation ID: 1002829). Advanced modeling of protein sequence and biophysical properties (such as structural, functional, and spatial information, amino acid conservation, physicochemical variation, residue mobility, and thermodynamic stability) performed at Invitae indicates that this missense variant is not expected to disrupt CDH23 protein function. In summary, the available evidence is currently insufficient to determine the role of this variant in disease. Therefore, it has been classified as a Variant of Uncertain Significance.

Natera, Inc.
Classification: Uncertain significance for Usher syndrome type 1. Last evaluated: 2021-01-16. Review status: no assertion criteria provided. Collection method: clinical testing. Allele origin: germline. Not counted in ClinVar's aggregate classification.

NM_022124.6(CDH23):c.8443C>T (p.Arg2815Cys)

Gene: CDH23 (cadherin related 23; plus strand). Cytogenetic location: 10q22.1.
Variant type: single nucleotide variant.
Coding change: c.8443C>T on transcript NM_022124.6 (MANE Select); coding-DNA position 8443, C replaced by T.
Protein change: p.Arg2815Cys; replaces arginine 2815 with cysteine.
Molecular consequence: missense variant.
Genome position (GRCh38, 1-based): chr10:71,807,650, C>T. VCF-style: chr10-71807650-C-T. GRCh37 (hg19) VCF-style: chr10-73567407-C-T.
Other names: c.1723C>T, p.Arg575Cys (NM_001171933.1, NM_001171934.1); short protein forms R2815C, R575C.
Identifiers: ClinVar variation 1002829 (VCV001002829.7), dbSNP rs768583951, ClinGen allele CA377131555.